The following is an entry in ClinVar:

ClinVar aggregate classification (germline): Uncertain significance (1 of 4 stars; one submission).

Conditions:
Ellis-van Creveld syndrome (EVC). Also called: MESOECTODERMAL DYSPLASIA; EVC-Related Ellis-van Creveld Syndrome; EVC2-Related Ellis-van Creveld Syndrome; Chondroectodermal dysplasia. Identifiers: Orphanet 289, MedGen C0013903, MONDO:0009162, OMIM 225500.
Curry-Hall syndrome (WAD). Also called: WEYERS ACRODENTAL DYSOSTOSIS. Identifiers: Orphanet 952, MedGen C0457013, MONDO:0008673, OMIM 193530.

Submission:

Labcorp Genetics (formerly Invitae), Labcorp
Classification: Uncertain significance for Curry-Hall syndrome; Ellis-van Creveld syndrome. Last evaluated: 2025-05-27. Review status: criteria provided, single submitter. Criteria: Invitae Variant Classification Sherloc (09022015). Collection method: clinical testing. Allele origin: germline.
Comment: This sequence change replaces valine, which is neutral and non-polar, with methionine, which is neutral and non-polar, at codon 13 of the EVC2 protein (p.Val13Met). This variant is not present in population databases (gnomAD no frequency). This variant has not been reported in the literature in individuals affected with EVC2-related conditions. An algorithm developed to predict the effect of missense changes on protein structure and function (PolyPhen-2) suggests that this variant is likely to be tolerated. In summary, the available evidence is currently insufficient to determine the role of this variant in disease. Therefore, it has been classified as a Variant of Uncertain Significance.

NM_147127.5(EVC2):c.37G>A (p.Val13Met)

Gene: EVC2 (EvC ciliary complex subunit 2; minus strand). Cytogenetic location: 4p16.2.
Variant type: single nucleotide variant.
Coding change: c.37G>A on transcript NM_147127.5 (MANE Select); coding-DNA position 37, G replaced by A.
Protein change: p.Val13Met; replaces valine 13 with methionine.
Molecular consequence: missense variant. On other transcripts: intron variant (1).
Genome position (GRCh38, 1-based): chr4:5,708,477, C>T on the plus strand (G>A on the coding strand, the complement: EVC2 is on the minus strand). VCF-style: chr4-5708477-C-T. GRCh37 (hg19) VCF-style: chr4-5710204-C-T.
Other names: c.-13+352G>A (NM_001166136.2); short protein forms V13M.
Identifiers: ClinVar variation 4794105 (VCV004794105.1).